The following is an entry in ClinVar:

NM_052844.4(DYNC2I2):c.51_64dup (p.Ala22fs)

Gene: DYNC2I2 (dynein 2 intermediate chain 2; minus strand). Cytogenetic location: 9q34.11.
Variant type: Duplication.
Coding change: c.51_64dup on transcript NM_052844.4 (MANE Select); coding-DNA positions 51 to 64, 14 bases duplicated (TGTTGCGGCGCTGG).
Protein change: p.Ala22fs; shifts the reading frame from alanine 22.
Molecular consequence: frameshift variant.
Genome position (GRCh38, 1-based): chr9:128,656,663-128,656,676, CCAGCGCCGCAACA duplicated on the plus strand (TGTTGCGGCGCTGG on the coding strand, the reverse complement: DYNC2I2 is on the minus strand); duplicating any 14 consecutive bases within chr9:128,656,663-128,656,683 gives the same sequence; the c. name uses the placement nearest the transcript's 3' end. VCF-style (leftmost placement, unchanged base first): chr9-128656662-G-GCCAGCGCCGCAACA. GRCh37 (hg19) VCF-style: chr9-131418941-G-GCCAGCGCCGCAACA.
Other names: short protein forms A22fs.
Identifiers: ClinVar variation 2815325 (VCV002815325.3), dbSNP rs2542474503, ClinGen allele CA2739265107.

ClinVar aggregate classification (germline): Pathogenic (1 of 4 stars; one submission).

Conditions:
Short-rib thoracic dysplasia 11 with or without polydactyly (SRTD11). Also called: SHORT-RIB THORACIC DYSPLASIA 11 WITHOUT POLYDACTYLY. Identifiers: Orphanet 474, Orphanet 93271, MedGen C3810200, MONDO:0014287, OMIM 615633.

Submission:

Labcorp Genetics (formerly Invitae), Labcorp
Classification: Pathogenic for Short-rib thoracic dysplasia 11 with or without polydactyly. Last evaluated: 2022-11-21. Review status: criteria provided, single submitter. Criteria: Invitae Variant Classification Sherloc (09022015). Collection method: clinical testing. Allele origin: germline.
Comment: This variant has not been reported in the literature in individuals affected with WDR34-related conditions. For these reasons, this variant has been classified as Pathogenic. This variant is not present in population databases (gnomAD no frequency). This sequence change creates a premature translational stop signal (p.Ala22Valfs*107) in the WDR34 gene. It is expected to result in an absent or disrupted protein product. Loss-of-function variants in WDR34 are known to be pathogenic (PMID: 24183449, 24183451, 28379358).

Literature cited by the submitters: PubMed 24183449; PubMed 24183451; PubMed 28379358.